The following is an entry in ClinVar:

NM_017946.4(FKBP14):c.295G>C (p.Glu99Gln)

Genes: FKBP14 (FKBP prolyl isomerase 14; minus strand), FKBP14-AS1 (FKBP14 antisense RNA 1; plus strand). Cytogenetic location: 7p14.3.
Variant type: single nucleotide variant.
Coding change: c.295G>C on transcript NM_017946.4 (MANE Select); coding-DNA position 295, G replaced by C.
Protein change: p.Glu99Gln; replaces glutamic acid 99 with glutamine.
Molecular consequence: missense variant. On other transcripts: non-coding transcript variant (1).
Genome position (GRCh38, 1-based): chr7:30,022,719, C>G on the plus strand (G>C on the coding strand, the complement: FKBP14 is on the minus strand). VCF-style: chr7-30022719-C-G. GRCh37 (hg19) VCF-style: chr7-30062335-C-G.
Other names: c.295G>C (NM_017946.2); short protein forms E99Q.
Identifiers: ClinVar variation 2161230 (VCV002161230.5), dbSNP rs2483522388, ClinGen allele CA367117375.

ClinVar aggregate classification (germline): Uncertain significance. Review status: criteria provided, multiple submitters, no conflicts (2 of 4 stars). 2 submissions from 2 submitters: Uncertain significance (2). Last evaluated 2024-12-17.

Conditions:
Ehlers-Danlos syndrome, kyphoscoliotic type, 2. Also called: FKBP14-Kyphoscoliotic Ehlers-Danlos Syndrome; Ehlers-Danlos syndrome with progressive kyphoscoliosis, myopathy, and hearing loss; Ehlers-Danlos syndrome, kyphoscoliotic and deafness type. Identifiers: Orphanet 300179, MedGen C3281160, MONDO:0013800, OMIM 614557.
Cardiovascular phenotype. Identifiers: MedGen CN230736.

Submissions (2):

Ambry Genetics
Classification: Uncertain significance for Cardiovascular phenotype. Last evaluated: 2024-12-17. Review status: criteria provided, single submitter. Criteria: Ambry Variant Classification Scheme 2023. Collection method: clinical testing. Allele origin: germline.
Comment: The p.E99Q variant (also known as c.295G>C), located in coding exon 2 of the FKBP14 gene, results from a G to C substitution at nucleotide position 295. The glutamic acid at codon 99 is replaced by glutamine, an amino acid with highly similar properties. This amino acid position is conserved. In addition, the in silico prediction for this alteration is inconclusive. Based on the available evidence, the clinical significance of this variant remains unclear.

Labcorp Genetics (formerly Invitae), Labcorp
Classification: Uncertain significance for Ehlers-Danlos syndrome, kyphoscoliotic type, 2. Last evaluated: 2022-06-15. Review status: criteria provided, single submitter. Criteria: Invitae Variant Classification Sherloc (09022015). Collection method: clinical testing. Allele origin: germline.
Comment: In summary, the available evidence is currently insufficient to determine the role of this variant in disease. Therefore, it has been classified as a Variant of Uncertain Significance. Algorithms developed to predict the effect of missense changes on protein structure and function (SIFT, PolyPhen-2, Align-GVGD) all suggest that this variant is likely to be disruptive. This variant has not been reported in the literature in individuals affected with FKBP14-related conditions. This variant is not present in population databases (gnomAD no frequency). This sequence change replaces glutamic acid, which is acidic and polar, with glutamine, which is neutral and polar, at codon 99 of the FKBP14 protein (p.Glu99Gln).